The following is an entry in ClinVar:

NM_000426.4(LAMA2):c.5753C>T (p.Ser1918Phe)

Gene: LAMA2 (laminin subunit alpha 2; plus strand). Cytogenetic location: 6q22.33.
Variant type: single nucleotide variant.
Coding change: c.5753C>T on transcript NM_000426.4 (MANE Select); coding-DNA position 5753, C replaced by T.
Protein change: p.Ser1918Phe; replaces serine 1918 with phenylalanine.
Molecular consequence: missense variant.
Genome position (GRCh38, 1-based): chr6:129,403,847, C>T. VCF-style: chr6-129403847-C-T. GRCh37 (hg19) VCF-style: chr6-129724992-C-T.
Other names: c.5753C>T, p.Ser1918Phe (NM_001079823.2); short protein forms S1918F.
Identifiers: ClinVar variation 1972268 (VCV001972268.5), dbSNP rs2533301657, ClinGen allele CA365616939.

ClinVar aggregate classification (germline): Uncertain significance (1 of 4 stars; one submission).

Conditions:
LAMA2-related muscular dystrophy (LAMA2-RD). Also called: Laminin alpha 2-related dystrophy. Identifiers: MedGen C5679788, MONDO:0100228.

Submission:

Labcorp Genetics (formerly Invitae), Labcorp
Classification: Uncertain significance for LAMA2-related muscular dystrophy. Last evaluated: 2022-07-30. Review status: criteria provided, single submitter. Criteria: Invitae Variant Classification Sherloc (09022015). Collection method: clinical testing. Allele origin: germline.
Comment: In summary, the available evidence is currently insufficient to determine the role of this variant in disease. Therefore, it has been classified as a Variant of Uncertain Significance. Advanced modeling of protein sequence and biophysical properties (such as structural, functional, and spatial information, amino acid conservation, physicochemical variation, residue mobility, and thermodynamic stability) performed at Invitae indicates that this missense variant is not expected to disrupt LAMA2 protein function. This variant has not been reported in the literature in individuals affected with LAMA2-related conditions. This variant is not present in population databases (gnomAD no frequency). This sequence change replaces serine, which is neutral and polar, with phenylalanine, which is neutral and non-polar, at codon 1918 of the LAMA2 protein (p.Ser1918Phe).